The following is an entry in ClinVar:

NM_001127644.2(GABRA1):c.729T>C (p.His243=)

Gene: GABRA1 (gamma-aminobutyric acid type A receptor subunit alpha1; plus strand). Cytogenetic location: 5q34.
Variant type: single nucleotide variant.
Coding change: c.729T>C on transcript NM_001127644.2 (MANE Select); coding-DNA position 729, T replaced by C.
Protein change: p.His243=; no amino-acid change (histidine 243 retained).
Molecular consequence: synonymous variant.
Genome position (GRCh38, 1-based): chr5:161,890,923, T>C. VCF-style: chr5-161890923-T-C. GRCh37 (hg19) VCF-style: chr5-161317929-T-C.
Other names: c.729T>C, p.His243= (NM_000806.5, NM_001127643.2, NM_001127645.2 and 1 more transcripts).
Identifiers: ClinVar variation 507245 (VCV000507245.5), dbSNP rs772218052, ClinGen allele CA3544514.
Genomic context (GRCh38, chr5:161,890,923, plus strand): 5'-AATTGCTCATCTTTCTTGTGTGTTTTACTTCTCAGGAGAATATGTTGTTATGACCACTCA[T>C]TTCCACTTGAAGAGAAAGATTGGCTACTTTGTTATTCAAACATACCTGCCATGCATAATG-3'
Protein context (NP_001121116.1, residues 233-253): STGEYVVMTT[His243=]FHLKRKIGYF

ClinVar aggregate classification (germline): Likely benign. Review status: criteria provided, multiple submitters, no conflicts (2 of 4 stars). 2 submissions from 2 submitters: Likely benign (2). Last evaluated 2025-02-10.

Conditions:
Idiopathic generalized epilepsy. Also called: Generalised epilepsy; EIG. Identifiers: MedGen C0270850, MONDO:0005579, OMIM 600669.
Epilepsy, idiopathic generalized, susceptibility to, 13. Also called: EPILEPSY, JUVENILE MYOCLONIC, SUSCEPTIBILITY TO, 5. Identifiers: Orphanet 307, Orphanet 64280, MedGen C4013473, MONDO:0012627, OMIM 611136.
Epilepsy, childhood absence 4 (ECA4). Also called: EPILEPSY, CHILDHOOD ABSENCE, SUSCEPTIBILITY TO, 4. Identifiers: Orphanet 307, MedGen C1970160.

Allele frequency attached by ClinVar (database versions not stated): gnomAD exomes below 0.00001; ExAC 0.00001.

Submissions (2):

Labcorp Genetics (formerly Invitae), Labcorp
Classification: Likely benign for Epilepsy, childhood absence 4; Epilepsy, idiopathic generalized, susceptibility to, 13; Idiopathic generalized epilepsy. Last evaluated: 2025-02-10. Review status: criteria provided, single submitter. Criteria: Invitae Variant Classification Sherloc (09022015). Collection method: clinical testing. Allele origin: germline.

GeneDx
Classification: Likely benign. Last evaluated: 2017-02-03. Review status: criteria provided, single submitter. Criteria: GeneDx Variant Classification (06012015). Collection method: clinical testing. Allele origin: germline. Affected: yes.
Comment: This variant is considered likely benign or benign based on one or more of the following criteria: it is a conservative change, it occurs at a poorly conserved position in the protein, it is predicted to be benign by multiple in silico algorithms, and/or has population frequency not consistent with disease.